The following is an entry in ClinVar:

NM_005956.4(MTHFD1):c.352A>G (p.Ile118Val)

Gene: MTHFD1 (methylenetetrahydrofolate dehydrogenase, cyclohydrolase and formyltetrahydrofolate synthetase 1; plus strand). Cytogenetic location: 14q23.3.
Variant type: single nucleotide variant.
Coding change: c.352A>G on transcript NM_005956.4 (MANE Select); coding-DNA position 352, A replaced by G.
Protein change: p.Ile118Val; replaces isoleucine 118 with valine.
Molecular consequence: missense variant.
Genome position (GRCh38, 1-based): chr14:64,415,469, A>G. VCF-style: chr14-64415469-A-G. GRCh37 (hg19) VCF-style: chr14-64882187-A-G.
Other names: c.352A>G, p.Ile118Val (NM_001364837.1); short protein forms I118V.
Identifiers: ClinVar variation 1472470 (VCV001472470.3), dbSNP rs367651399, ClinGen allele CA7225906.
Genomic context (GRCh38, chr14:64,415,469, plus strand): 5'-TTAGTGCAGCTACCTTTAGATTCAGAGAATTCCATTAACACTGAAGAAGTGATCAATGCT[A>G]TTGCACCCGAGAAGGATGTGGATGGGTAAGTGTGGCTTGGCTTCCTATGTCTCATTGCAT-3'
Protein context (NP_005947.3, residues 108-128): SINTEEVINA[Ile118Val]APEKDVDGLT

ClinVar aggregate classification (germline): Uncertain significance (1 of 4 stars; one submission).

Allele frequency attached by ClinVar (database versions not stated): gnomAD exomes below 0.00001 and 0.00001; TOPMed below 0.00001; gnomAD 0.00001; ExAC 0.00002; ESP Exome Variant Server 0.00008.
gnomAD v4.1: 3 of 1,614,042 alleles (0.00019%); highest among the groups gnomAD compares: Non-Finnish European, 0.00025%; no homozygotes.

Submission:

Labcorp Genetics (formerly Invitae), Labcorp
Classification: Uncertain significance. Last evaluated: 2021-11-27. Review status: criteria provided, single submitter. Criteria: Invitae Variant Classification Sherloc (09022015). Collection method: clinical testing. Allele origin: germline.
Comment: This sequence change replaces isoleucine, which is neutral and non-polar, with valine, which is neutral and non-polar, at codon 118 of the MTHFD1 protein (p.Ile118Val). This variant is present in population databases (rs367651399, gnomAD 0.002%). This variant has not been reported in the literature in individuals affected with MTHFD1-related conditions. Algorithms developed to predict the effect of missense changes on protein structure and function (SIFT, PolyPhen-2, Align-GVGD) all suggest that this variant is likely to be tolerated. In summary, the available evidence is currently insufficient to determine the role of this variant in disease. Therefore, it has been classified as a Variant of Uncertain Significance.